The following is an entry in ClinVar:

ClinVar aggregate classification (germline): Uncertain significance. Review status: criteria provided, multiple submitters, no conflicts (2 of 4 stars). 3 submissions from 3 submitters: Uncertain significance (3). Last evaluated 2026-01-19.

Allele frequency attached by ClinVar (database versions not stated): gnomAD exomes 0.00002; TOPMed 0.00002; ExAC 0.00005; gnomAD 0.00005; 1000 Genomes Project 30x 0.00016; 1000 Genomes Project 0.00020.

Submissions (3):

Labcorp Genetics (formerly Invitae), Labcorp
Classification: Uncertain significance. Last evaluated: 2026-01-19. Review status: criteria provided, single submitter. Criteria: Invitae Variant Classification Sherloc (09022015). Collection method: clinical testing. Allele origin: germline.
Comment: This sequence change replaces proline, which is neutral and non-polar, with leucine, which is neutral and non-polar, at codon 284 of the MRPS2 protein (p.Pro284Leu). This variant is present in population databases (rs201274855, gnomAD 0.006%). This variant has not been reported in the literature in individuals affected with MRPS2-related conditions. ClinVar contains an entry for this variant (Variation ID: 2583073). An algorithm developed to predict the effect of missense changes on protein structure and function (PolyPhen-2) suggests that this variant is likely to be tolerated. In summary, the available evidence is currently insufficient to determine the role of this variant in disease. Therefore, it has been classified as a Variant of Uncertain Significance.

Ambry Genetics
Classification: Uncertain significance. Last evaluated: 2024-08-21. Review status: criteria provided, single submitter. Criteria: Ambry Variant Classification Scheme 2023. Collection method: clinical testing. Allele origin: germline.

CeGaT Center for Human Genetics Tuebingen
Classification: Uncertain significance. Last evaluated: 2023-09-01. Review status: criteria provided, single submitter. Criteria: CeGaT Center For Human Genetics Tuebingen Variant Classification Criteria Version 2. Collection method: clinical testing. Allele origin: germline. Affected: yes. Observed: 1 variant allele.
Comment: MRPS2: PM2:Supporting, BP4

NM_016034.5(MRPS2):c.851C>T (p.Pro284Leu)

Genes: MRPS2 (mitochondrial ribosomal protein S2; plus strand), LOC101928525 (uncharacterized LOC101928525; minus strand). Cytogenetic location: 9q34.3.
Variant type: single nucleotide variant.
Coding change: c.851C>T on transcript NM_016034.5 (MANE Select); coding-DNA position 851, C replaced by T.
Protein change: p.Pro284Leu; replaces proline 284 with leucine.
Molecular consequence: missense variant. On other transcripts: non-coding transcript variant (4).
Genome position (GRCh38, 1-based): chr9:135,504,093, C>T. VCF-style: chr9-135504093-C-T. GRCh37 (hg19) VCF-style: chr9-138395939-C-T.
Other names: c.851C>T, p.Pro284Leu (NM_001371401.1); c.851C>T (NM_016034.3); short protein forms P284L.
Identifiers: ClinVar variation 2583073 (VCV002583073.27), dbSNP rs201274855, ClinGen allele CA5324048.